The following is an entry in ClinVar:

ClinVar aggregate classification (germline): Likely pathogenic (1 of 4 stars; one submission).

Submission:

Labcorp Genetics (formerly Invitae), Labcorp
Classification: Likely pathogenic. Last evaluated: 2022-04-26. Review status: criteria provided, single submitter. Criteria: Invitae Variant Classification Sherloc (09022015). Collection method: clinical testing. Allele origin: germline.
Comment: This sequence change replaces phenylalanine, which is neutral and non-polar, with cysteine, which is neutral and slightly polar, at codon 999 of the STAG2 protein (p.Phe999Cys). In summary, the currently available evidence indicates that the variant is pathogenic, but additional data are needed to prove that conclusively. Therefore, this variant has been classified as Likely Pathogenic. Algorithms developed to predict the effect of missense changes on protein structure and function are either unavailable or do not agree on the potential impact of this missense change (SIFT: "Deleterious"; PolyPhen-2: "Probably Damaging"; Align-GVGD: "Class C0"). This missense change has been observed in individual(s) with clinical features of STAG2-related conditions (Invitae). In at least one individual the variant was observed to be de novo. This variant is not present in population databases (gnomAD no frequency).

NM_001042750.2(STAG2):c.2996T>G (p.Phe999Cys)

Gene: STAG2 (STAG2 cohesin complex component; plus strand). Cytogenetic location: Xq25.
Variant type: single nucleotide variant.
Coding change: c.2996T>G on transcript NM_001042750.2 (MANE Select); coding-DNA position 2996, T replaced by G.
Protein change: p.Phe999Cys; replaces phenylalanine 999 with cysteine.
Molecular consequence: missense variant.
Genome position (GRCh38, 1-based): chrX:124,083,492, T>G. VCF-style: chrX-124083492-T-G. GRCh37 (hg19) VCF-style: chrX-123217342-T-G.
Other names: c.2996T>G, p.Phe999Cys (NM_001042749.2, NM_001042751.2, NM_001282418.2 and 13 more transcripts); short protein forms F999C.
Identifiers: ClinVar variation 1395977 (VCV001395977.6), dbSNP rs2148446128, ClinGen allele CA414280560.